The following is an entry in ClinVar:

NM_000098.3(CPT2):c.1230C>G (p.Val410=)

Gene: CPT2 (carnitine palmitoyltransferase 2; plus strand). Cytogenetic location: 1p32.3.
Variant type: single nucleotide variant.
Coding change: c.1230C>G on transcript NM_000098.3 (MANE Select); coding-DNA position 1230, C replaced by G.
Protein change: p.Val410=; no amino-acid change (valine 410 retained).
Molecular consequence: synonymous variant.
Genome position (GRCh38, 1-based): chr1:53,210,904, C>G. VCF-style: chr1-53210904-C-G. GRCh37 (hg19) VCF-style: chr1-53676576-C-G.
Other names: c.1230C>G, p.Val410= (NM_001330589.2).
Identifiers: ClinVar variation 1701108 (VCV001701108.31), dbSNP rs996410960, ClinGen allele CA417875084.
Genomic context (GRCh38, chr1:53,210,904, plus strand): 5'-CAGCACTCAGACCCCTGCCGTCACTCCACAGAGCCAGCCAGCTACCACTGACTCTACTGT[C>G]ACGGTGCAGAAACTCAACTTCGAGCTGACTGATGCCTTAAAGACTGGCATCACAGCTGCT-3'
Protein context (NP_000089.1, residues 400-420): QSQPATTDST[Val410=]TVQKLNFELT

ClinVar aggregate classification (germline): Likely benign (1 of 4 stars; one submission).

Submission:

CeGaT Center for Human Genetics Tuebingen
Classification: Likely benign. Last evaluated: 2022-07-01. Review status: criteria provided, single submitter. Criteria: CeGaT Center For Human Genetics Tuebingen Variant Classification Criteria Version 2. Collection method: clinical testing. Allele origin: germline. Affected: yes. Observed: 1 variant allele.
Comment: CPT2: PM2:Supporting, BP4, BP7